The following is an entry in ClinVar:

ClinVar aggregate classification (germline): Uncertain significance (1 of 4 stars; one submission).

Conditions:
Cornelia de Lange syndrome 1 (CDLS1). Also called: TYPUS DEGENERATIVUS AMSTELODAMENSIS; Brachmann de Lange syndrome; NIPBL-Related Cornelia de Lange Syndrome. Identifiers: Orphanet 199, MedGen C4551851, MONDO:0007387, OMIM 122470.

Submission:

Labcorp Genetics (formerly Invitae), Labcorp
Classification: Uncertain significance for Cornelia de Lange syndrome 1. Last evaluated: 2023-12-19. Review status: criteria provided, single submitter. Criteria: Invitae Variant Classification Sherloc (09022015). Collection method: clinical testing. Allele origin: germline.
Comment: This sequence change replaces cysteine, which is neutral and slightly polar, with tryptophan, which is neutral and slightly polar, at codon 279 of the NIPBL protein (p.Cys279Trp). This variant is not present in population databases (gnomAD no frequency). This variant has not been reported in the literature in individuals affected with NIPBL-related conditions. Advanced modeling of protein sequence and biophysical properties (such as structural, functional, and spatial information, amino acid conservation, physicochemical variation, residue mobility, and thermodynamic stability) performed at Invitae indicates that this missense variant is not expected to disrupt NIPBL protein function with a negative predictive value of 95%. In summary, the available evidence is currently insufficient to determine the role of this variant in disease. Therefore, it has been classified as a Variant of Uncertain Significance.

NM_133433.4(NIPBL):c.837C>G (p.Cys279Trp)

Gene: NIPBL (NIPBL cohesin loading factor; plus strand). Cytogenetic location: 5p13.2.
Variant type: single nucleotide variant.
Coding change: c.837C>G on transcript NM_133433.4 (MANE Select); coding-DNA position 837, C replaced by G.
Protein change: p.Cys279Trp; replaces cysteine 279 with tryptophan.
Molecular consequence: missense variant.
Genome position (GRCh38, 1-based): chr5:36,972,010, C>G. VCF-style: chr5-36972010-C-G. GRCh37 (hg19) VCF-style: chr5-36972112-C-G.
Other names: c.837C>G, p.Cys279Trp (NM_015384.5); short protein forms C279W.
Identifiers: ClinVar variation 2704078 (VCV002704078.3), dbSNP rs1393288798, ClinGen allele CA359480470.